The following is an entry in ClinVar:

ClinVar aggregate classification (germline): Uncertain significance (1 of 4 stars; one submission).

Submission:

GeneDx
Classification: Uncertain significance. Last evaluated: 2026-03-24. Review status: criteria provided, single submitter. Criteria: GeneDx Variant Classification Process June 2021. Collection method: clinical testing. Allele origin: germline.
Comment: Not observed at significant frequency in large population cohorts (gnomAD); In silico analysis suggests that this missense variant does not alter protein structure/function; Has not been previously published as pathogenic or benign to our knowledge

NM_005334.3(HCFC1):c.5803G>C (p.Gly1935Arg)

Gene: HCFC1 (host cell factor C1; minus strand). Cytogenetic location: Xq28.
Variant type: single nucleotide variant.
Coding change: c.5803G>C on transcript NM_005334.3 (MANE Select); coding-DNA position 5803, G replaced by C.
Protein change: p.Gly1935Arg; replaces glycine 1935 with arginine.
Molecular consequence: missense variant.
Genome position (GRCh38, 1-based): chrX:153,950,444, C>G on the plus strand (G>C on the coding strand, the complement: HCFC1 is on the minus strand). VCF-style: chrX-153950444-C-G. GRCh37 (hg19) VCF-style: chrX-153215895-C-G.
Other names: c.5605G>C, p.Gly1869Arg (NM_001440851.1); c.5938G>C, p.Gly1980Arg (NM_001410705.1); c.5944G>C, p.Gly1982Arg (NM_001440843.1); c.5935G>C, p.Gly1979Arg (NM_001440844.1, NM_001440845.1); c.5932G>C, p.Gly1978Arg (NM_001440846.1); c.5815G>C, p.Gly1939Arg (NM_001440847.1); c.5812G>C, p.Gly1938Arg (NM_001440848.1); c.5806G>C, p.Gly1936Arg (NM_001440849.1); and 1 more; short protein forms G1869R, G1913R, G1935R, G1936R, G1938R, G1939R, G1978R, G1979R.
Identifiers: ClinVar variation 5017476 (VCV005017476.1).